The following is an entry in ClinVar:

ClinVar aggregate classification (germline): Benign/Likely benign. Review status: criteria provided, multiple submitters, no conflicts (2 of 4 stars). 3 submissions from 3 submitters: Benign (1); Likely benign (1). 1 of the submissions does not count toward it. Last evaluated 2026-06-01.

Conditions:
PLS1-related disorder. Also called: PLS1-related condition.

Allele frequency attached by ClinVar (database versions not stated): 1000 Genomes Project 0.00260; ExAC 0.00277; gnomAD 0.00345; TOPMed 0.00345; 1000 Genomes Project 30x 0.00359; ESP Exome Variant Server 0.00377; gnomAD exomes 0.00499.
gnomAD v4.1: 7,845 of 1,614,058 alleles (0.49%); highest among the groups gnomAD compares: Non-Finnish European, 0.58%; 19 homozygotes.

Submissions (3):

CeGaT Center for Human Genetics Tuebingen
Classification: Likely benign. Last evaluated: 2026-06-01. Review status: criteria provided, single submitter. Criteria: CeGaT Center For Human Genetics Tuebingen Variant Classification Criteria Version 2. Collection method: clinical testing. Allele origin: germline. Affected: yes. Observed: 6 variant alleles.
Comment: PLS1: BS2

Mayo Clinic Laboratories, Mayo Clinic
Classification: Benign. Last evaluated: 2025-05-12. Review status: criteria provided, single submitter. Criteria: ACMG Guidelines, 2015. Collection method: clinical testing. Allele origin: germline. Observed: 1 variant allele.
Comment: BA1

PreventionGenetics, part of Exact Sciences
Classification: Likely benign for PLS1-related condition. Last evaluated: 2020-03-04. Review status: no assertion criteria provided. Collection method: clinical testing. Allele origin: germline. Not counted in ClinVar's aggregate classification.
Comment: This variant is classified as likely benign based on ACMG/AMP sequence variant interpretation guidelines (Richards et al. 2015 PMID: 25741868, with internal and published modifications).

NM_001145319.2(PLS1):c.707T>C (p.Val236Ala)

Gene: PLS1 (plastin 1; plus strand). Cytogenetic location: 3q23.
Variant type: single nucleotide variant.
Coding change: c.707T>C on transcript NM_001145319.2 (MANE Select); coding-DNA position 707, T replaced by C.
Protein change: p.Val236Ala; replaces valine 236 with alanine.
Molecular consequence: missense variant.
Genome position (GRCh38, 1-based): chr3:142,684,133, T>C. VCF-style: chr3-142684133-T-C. GRCh37 (hg19) VCF-style: chr3-142402975-T-C.
Other names: p.Val236Ala; c.707T>C (NM_001145319.1); c.707T>C, p.Val236Ala (NM_001172312.2, NM_002670.3); short protein forms V236A.
Identifiers: ClinVar variation 2571191 (VCV002571191.29), dbSNP rs148154571, ClinGen allele CA2651103.